The following is an entry in ClinVar:

ClinVar aggregate classification (germline): Pathogenic/Likely pathogenic. Review status: criteria provided, multiple submitters, no conflicts (2 of 4 stars). 8 submissions from 8 submitters: Pathogenic (3); Likely pathogenic (3). 2 of the submissions do not count toward it. Last evaluated 2025-07-16.

Conditions:
FANCC-related disorder. Also called: FANCC-related condition.
Hereditary cancer-predisposing syndrome. Also called: Tumor predisposition; Hereditary Cancer Syndrome; Hereditary neoplastic syndrome; Neoplastic Syndromes, Hereditary. Identifiers: Orphanet 140162, MedGen C0027672, MeSH D009386, MONDO:0015356.
Fanconi anemia (FA). Also called: Fanconi's anemia. Identifiers: Orphanet 84, MedGen C0015625, MeSH D005199, MONDO:0019391.
Fanconi anemia complementation group C (FANCC). Also called: FANCONI PANCYTOPENIA, TYPE 3; FACC; FANCC-Related Fanconi Anemia; Fanconi anemia, group C. Identifiers: Orphanet 84, MedGen C3468041, MONDO:0009213, OMIM 227645.

Allele frequency attached by ClinVar (database versions not stated): gnomAD exomes below 0.00001 and 0.00003; gnomAD 0.00002; TOPMed 0.00002.

Submissions (8):

Labcorp Genetics (formerly Invitae), Labcorp
Classification: Pathogenic for Fanconi anemia. Last evaluated: 2025-07-16. Review status: criteria provided, single submitter. Criteria: Invitae Variant Classification Sherloc (09022015). Collection method: clinical testing. Allele origin: germline.
Comment: This sequence change creates a premature translational stop signal (p.Gly435Trpfs*83) in the FANCC gene. While this is not anticipated to result in nonsense mediated decay, it is expected to disrupt the last 124 amino acid(s) of the FANCC protein. This variant is present in population databases (rs730881709, gnomAD 0.002%). This variant has not been reported in the literature in individuals affected with FANCC-related conditions. ClinVar contains an entry for this variant (Variation ID: 182467). This variant disrupts a region of the FANCC protein in which other variant(s) (p.Arg548* and p.Leu554*) have been determined to be pathogenic (PMID: 8103176, 8613549, 8829660, 8882868). This suggests that this is a clinically significant region of the protein, and that variants that disrupt it are likely to be disease-causing. For these reasons, this variant has been classified as Pathogenic.

Natera, Inc.
Classification: Likely pathogenic for Fanconi anemia. Last evaluated: 2025-07-16. Review status: criteria provided, single submitter. Criteria: Natera Variant Classification Schema (03/2026). Collection method: clinical testing. Allele origin: germline.
Comment: The c.1302dupT variant in FANCC is a frameshift variant predicted to shift the reading frame beginning at codon 435 and leads to a stop codon 83 codons downstream. This variant is expected to result in nonsense mediated decay, truncation, or a dysfunctional protein product. This variant is rare in the general population with a frequency below the threshold expected for the associated phenotype(s). Given the available evidence, this variant is classified as Likely Pathogenic.

GeneDx
Classification: Likely pathogenic. Last evaluated: 2025-02-11. Review status: criteria provided, single submitter. Criteria: GeneDx Variant Classification Process June 2021. Collection method: clinical testing. Allele origin: germline. Affected: yes.
Comment: Frameshift variant predicted to result in abnormal protein length as the last 124 amino acids are replaced with 82 different amino acids, and other similar variants have been reported in HGMD; Not observed at significant frequency in large population cohorts (gnomAD); Observed in an individual referred for hereditary cancer panel testing (PMID: 26681312); This variant is associated with the following publications: (PMID: 26681312, Gordon2000[Book], 29922827)

Baylor Genetics
Classification: Pathogenic for Fanconi anemia complementation group C. Last evaluated: 2023-10-19. Review status: criteria provided, single submitter. Criteria: ACMG Guidelines, 2015. Collection method: clinical testing. Allele origin: unknown.

Ambry Genetics
Classification: Pathogenic for Hereditary cancer-predisposing syndrome. Last evaluated: 2023-06-27. Review status: criteria provided, single submitter. Criteria: Ambry Variant Classification Scheme 2023. Collection method: clinical testing. Allele origin: germline.
Comment: The c.1302dupT pathogenic mutation, located in coding exon 12 of the FANCC gene, results from a duplication of T at nucleotide position 1302, causing a translational frameshift with a predicted alternate stop codon (p.G435Wfs*83). This alteration is expected to result in loss of function by premature protein truncation or nonsense-mediated mRNA decay. As such, this alteration is interpreted as a disease-causing mutation.

Women's Health and Genetics/Laboratory Corporation of America, LabCorp
Classification: Likely pathogenic for Fanconi anemia complementation group C. Last evaluated: 2022-04-07. Review status: criteria provided, single submitter. Criteria: LabCorp Variant Classification Summary - May 2015. Collection method: clinical testing. Allele origin: germline.
Comment: Variant summary: FANCC c.1302dupT (p.Gly435TrpfsX83) results in a premature termination codon, predicted to cause a truncation of the encoded protein or absence of the protein due to nonsense mediated decay, which are commonly known mechanisms for disease. Truncations downstream of this position have been classified as pathogenic by our laboratory. The variant allele was found at a frequency of 4e-06 in 250858 control chromosomes. c.1302dupT has been reported in the literature in at-least one individual referred for cancer panel testing (Susswein_2016). This report does not provide unequivocal conclusions about association of the variant with Fanconi Anemia Group C. To our knowledge, no experimental evidence demonstrating an impact on protein function has been reported. Three clinical diagnostic laboratories have submitted clinical-significance assessments for this variant to ClinVar after 2014 without evidence for independent evaluation. All laboratories classified the variant as pathogenic/likely pathogenic. Based on the evidence outlined above, the variant was classified as likely pathogenic.

PreventionGenetics, part of Exact Sciences
Classification: Likely pathogenic for FANCC-related condition. Last evaluated: 2024-05-06. Review status: no assertion criteria provided. Collection method: clinical testing. Allele origin: germline. Not counted in ClinVar's aggregate classification.
Comment: The FANCC c.1302dupT variant is predicted to result in a frameshift and premature protein termination (p.Gly435Trpfs*83). This variant has been reported in a cohort study about next-generation cancer panel testing (Susswein et al. 2016. PubMed ID: 26681312. Table S1). This variant is reported in 0.0016% of alleles in individuals of European (Non-Finnish) descent in gnomAD. Frameshift variants in FANCC are expected to be pathogenic. This variant is interpreted as likely pathogenic.

Counsyl
Classification: Likely pathogenic for Fanconi anemia complementation group C. Last evaluated: 2015-04-24. Review status: no assertion criteria provided. Collection method: clinical testing. Allele origin: unknown. Not counted in ClinVar's aggregate classification.

Literature cited by the submitters: PubMed 8103176 (cited by Labcorp Genetics (formerly Invitae), Labcorp); PubMed 8613549 (cited by Labcorp Genetics (formerly Invitae), Labcorp); PubMed 8829660 (cited by Labcorp Genetics (formerly Invitae), Labcorp); PubMed 8882868 (cited by Labcorp Genetics (formerly Invitae), Labcorp and Counsyl); PubMed 26681312 (cited by Women's Health and Genetics/Laboratory Corporation of America, LabCorp); PubMed 29922827 (cited by Women's Health and Genetics/Laboratory Corporation of America, LabCorp).

NM_000136.3(FANCC):c.1302dup (p.Gly435fs)

Genes: AOPEP (aminopeptidase O (putative); plus strand), FANCC (FA complementation group C; minus strand). Cytogenetic location: 9q22.32.
Variant type: Duplication.
Coding change: c.1302dup on transcript NM_000136.3 (MANE Select); coding-DNA position 1302, one base duplicated (T; older notation c.1302dupT).
Protein change: p.Gly435fs; shifts the reading frame from glycine 435.
Molecular consequence: frameshift variant.
Genome position (GRCh38, 1-based): chr9:95,111,490, A duplicated on the plus strand (T on the coding strand, the reverse complement: FANCC is on the minus strand). VCF-style (leftmost placement, unchanged base first): chr9-95111489-C-CA. GRCh37 (hg19) VCF-style: chr9-97873771-C-CA.
Other names: c.1302dup, p.Gly435fs (NM_001243743.2, NM_001243744.2); c.1302dup (NM_000136.2); short protein forms G435fs.
Identifiers: ClinVar variation 182467 (VCV000182467.22), dbSNP rs730881709, ClinGen allele CA299134.